The following is an entry in ClinVar:

ClinVar aggregate classification (germline): Uncertain significance (1 of 4 stars; one submission).

Conditions:
Familial thoracic aortic aneurysm and aortic dissection (TAAD). Also called: Thoracic aortic aneurysms and dissections. Identifiers: Orphanet 91387, MedGen C4707243, MONDO:0019625.

Submission:

All of Us Research Program, National Institutes of Health
Classification: Uncertain significance for Familial thoracic aortic aneurysm and aortic dissection. Last evaluated: 2024-07-29. Review status: criteria provided, single submitter. Criteria: ACMG Guidelines, 2015. Collection method: clinical testing. Allele origin: germline. Inheritance: Autosomal dominant inheritance. Observed: 1 variant allele, 1 heterozygote.
Comment: This missense variant replaces aspartic acid with valine at codon 1326 of the MYH11 protein. Computational prediction suggests that this variant may have deleterious impact on protein structure and function (internally defined REVEL score threshold >= 0.7, PMID: 27666373). To our knowledge, functional studies have not been reported for this variant. This variant has not been reported in individuals affected with MYH11-related disorders in the literature. This variant has not been identified in the general population by the Genome Aggregation Database (gnomAD). The available evidence is insufficient to determine the role of this variant in disease conclusively. Therefore, this variant is classified as a Variant of Uncertain Significance.

This study involves interpretation of variants in research participants for the purpose of population health screening. Participant phenotype was not available at the time of variant classification. Additional details can be found in publication PMID: 35346344, PMCID: PMC8962531

NM_002474.3(MYH11):c.3956A>T (p.Asp1319Val)

Genes: NDE1 (nudE neurodevelopment protein 1; plus strand), MYH11 (myosin heavy chain 11; minus strand). Cytogenetic location: 16p13.11.
Variant type: single nucleotide variant.
Coding change: c.3956A>T on transcript NM_002474.3 (MANE Select); coding-DNA position 3956, A replaced by T.
Protein change: p.Asp1319Val; replaces aspartic acid 1319 with valine.
Molecular consequence: missense variant. On other transcripts: 3 prime UTR variant (2).
Genome position (GRCh38, 1-based): chr16:15,724,895, T>A on the plus strand (A>T on the coding strand, the complement: MYH11 is on the minus strand). VCF-style: chr16-15724895-T-A. GRCh37 (hg19) VCF-style: chr16-15818752-T-A.
Other names: c.3977A>T, p.Asp1326Val (NM_001040113.2, NM_001040114.2); c.3956A>T, p.Asp1319Val (NM_022844.3); c.*644T>A (NM_001143979.2, NM_017668.3); short protein forms D1319V, D1326V.
Identifiers: ClinVar variation 3387190 (VCV003387190.1).
Genomic context (GRCh38, chr16:15,724,895, plus strand): 5'-CCCCGAGGAAGGCCACCCCCCAGGTCCCCTGGATGATGTGGCAGGACACTCACCTGGGTG[T>A]CCTGGAGCTGGGAACTGAGGGACGCCACGTCCTTGGCCAGCTTAATGGCCTTCCCCTCGG-3'
Protein context (NP_002465.1, residues 1309-1329): DVASLSSQLQ[Asp1319Val]TQELLQEETR